The following is an entry in ClinVar:

ClinVar aggregate classification (germline): Uncertain significance (1 of 4 stars; one submission).

Conditions:
Cardiovascular phenotype. Identifiers: MedGen CN230736.

Submission:

Ambry Genetics
Classification: Uncertain significance for Cardiovascular phenotype. Last evaluated: 2024-12-21. Review status: criteria provided, single submitter. Criteria: Ambry Variant Classification Scheme 2023. Collection method: clinical testing. Allele origin: germline.
Comment: The p.S1178C variant (also known as c.3533C>G), located in coding exon 32 of the MYBPC3 gene, results from a C to G substitution at nucleotide position 3533. The serine at codon 1178 is replaced by cysteine, an amino acid with dissimilar properties. This amino acid position is conserved. In addition, this alteration is predicted to be tolerated by in silico analysis. Based on the available evidence, the clinical significance of this variant remains unclear.

NM_000256.3(MYBPC3):c.3533C>G (p.Ser1178Cys)

Gene: MYBPC3 (myosin binding protein C3; minus strand). Cytogenetic location: 11p11.2.
Variant type: single nucleotide variant.
Coding change: c.3533C>G on transcript NM_000256.3 (MANE Select); coding-DNA position 3533, C replaced by G.
Protein change: p.Ser1178Cys; replaces serine 1178 with cysteine.
Molecular consequence: missense variant.
Genome position (GRCh38, 1-based): chr11:47,332,660, G>C on the plus strand (C>G on the coding strand, the complement: MYBPC3 is on the minus strand). VCF-style: chr11-47332660-G-C. GRCh37 (hg19) VCF-style: chr11-47354211-G-C.
Other names: short protein forms S1178C.
Identifiers: ClinVar variation 3876132 (VCV003876132.1).